The following is an entry in ClinVar:

NM_019066.5(MAGEL2):c.579_638del (p.181HPPPPGTPMA[3])

Gene: MAGEL2 (MAGE family member L2; minus strand). Cytogenetic location: 15q11.2.
Variant type: Deletion.
Coding change: c.579_638del on transcript NM_019066.5 (MANE Select); coding-DNA positions 579 to 638, 60 bases deleted.
Protein change: p.181HPPPPGTPMA[3].
Molecular consequence: inframe deletion.
Genome position (GRCh38, 1-based): chr15:23,647,105-23,647,164, 60 bases deleted. GRCh37 (hg19): chr15:23,892,269-23,892,328.
Identifiers: ClinVar variation 2032975 (VCV002032975.4), dbSNP rs758291032, ClinGen allele CA967691484.

ClinVar aggregate classification (germline): Uncertain significance (1 of 4 stars; one submission).

Submission:

Labcorp Genetics (formerly Invitae), Labcorp
Classification: Uncertain significance. Last evaluated: 2023-05-08. Review status: criteria provided, single submitter. Criteria: Invitae Variant Classification Sherloc (09022015). Collection method: clinical testing. Allele origin: germline.
Comment: This variant, c.579_638del, results in the deletion of 20 amino acid(s) of the MAGEL2 protein (p.His211_Ala230del), but otherwise preserves the integrity of the reading frame. In summary, the available evidence is currently insufficient to determine the role of this variant in disease. Therefore, it has been classified as a Variant of Uncertain Significance. Experimental studies and prediction algorithms are not available or were not evaluated, and the functional significance of this variant is currently unknown. ClinVar contains an entry for this variant (Variation ID: 2032975). This variant has not been reported in the literature in individuals affected with MAGEL2-related conditions. This variant is not present in population databases (gnomAD no frequency).